The following is an entry in ClinVar:

NM_022167.4(XYLT2):c.763G>A (p.Val255Ile)

Gene: XYLT2 (xylosyltransferase 2; plus strand). Cytogenetic location: 17q21.33.
Variant type: single nucleotide variant.
Coding change: c.763G>A on transcript NM_022167.4 (MANE Select); coding-DNA position 763, G replaced by A.
Protein change: p.Val255Ile; replaces valine 255 with isoleucine.
Molecular consequence: missense variant.
Genome position (GRCh38, 1-based): chr17:50,354,542, G>A. VCF-style: chr17-50354542-G-A. GRCh37 (hg19) VCF-style: chr17-48431903-G-A.
Other names: short protein forms V255I.
Identifiers: ClinVar variation 1982205 (VCV001982205.2), dbSNP rs373326489, ClinGen allele CA8646254.

ClinVar aggregate classification (germline): Uncertain significance. Review status: criteria provided, multiple submitters, no conflicts (2 of 4 stars). 2 submissions from 2 submitters: Uncertain significance (2). Last evaluated 2024-01-30.

Conditions:
Inborn genetic diseases. Identifiers: MedGen C0950123, MeSH D030342.

Allele frequency attached by ClinVar (database versions not stated): TOPMed 0.00006; gnomAD 0.00005; ExAC 0.00010; 1000 Genomes Project 0.00020; 1000 Genomes Project 30x 0.00016.
gnomAD v4.1: 43 of 1,612,688 alleles (0.0027%); highest among the groups gnomAD compares: East Asian, 0.042%; no homozygotes.

Submissions (2):

Ambry Genetics
Classification: Uncertain significance for Inborn genetic diseases. Last evaluated: 2024-01-30. Review status: criteria provided, single submitter. Criteria: Ambry Variant Classification Scheme 2023. Collection method: clinical testing. Allele origin: germline.

Labcorp Genetics (formerly Invitae), Labcorp
Classification: Uncertain significance. Last evaluated: 2022-04-26. Review status: criteria provided, single submitter. Criteria: Invitae Variant Classification Sherloc (09022015). Collection method: clinical testing. Allele origin: germline.
Comment: This sequence change replaces valine, which is neutral and non-polar, with isoleucine, which is neutral and non-polar, at codon 255 of the XYLT2 protein (p.Val255Ile). This variant is present in population databases (rs373326489, gnomAD 0.08%). This variant has not been reported in the literature in individuals affected with XYLT2-related conditions. Algorithms developed to predict the effect of missense changes on protein structure and function (SIFT, PolyPhen-2, Align-GVGD) all suggest that this variant is likely to be tolerated. In summary, the available evidence is currently insufficient to determine the role of this variant in disease. Therefore, it has been classified as a Variant of Uncertain Significance.